The following is an entry in ClinVar:

NM_005902.4(SMAD3):c.408T>C (p.Pro136=)

Gene: SMAD3 (SMAD family member 3; plus strand). Cytogenetic location: 15q22.33.
Variant type: single nucleotide variant.
Coding change: c.408T>C on transcript NM_005902.4 (MANE Select); coding-DNA position 408, T replaced by C.
Protein change: p.Pro136=; no amino-acid change (proline 136 retained).
Molecular consequence: synonymous variant.
Genome position (GRCh38, 1-based): chr15:67,165,260, T>C. VCF-style: chr15-67165260-T-C. GRCh37 (hg19) VCF-style: chr15-67457598-T-C.
Other names: c.93T>C, p.Pro31= (NM_001145102.2); c.276T>C, p.Pro92= (NM_001145103.2).
Identifiers: ClinVar variation 918287 (VCV000918287.4), dbSNP rs1256814354, ClinGen allele CA491071691.
Genomic context (GRCh38, chr15:67,165,260, plus strand): 5'-GTGCTGGTCTGGCATCGACACTGAGCCACCTCTGCTCTGTCTCCCCCGGACAGTTCTACC[T>C]CCTGTGTTGGTGCCACGCCACACAGAGATCCCGGCCGAGTTCCCCCCACTGGACGACTAC-3'
Protein context (NP_005893.1, residues 126-146): HYQRVETPVL[Pro136=]PVLVPRHTEI

ClinVar aggregate classification (germline): Likely benign. Review status: criteria provided, multiple submitters, no conflicts (2 of 4 stars). 3 submissions from 3 submitters: Likely benign (3). Last evaluated 2026-04-18.

Conditions:
Aneurysm-osteoarthritis syndrome. Also called: SMAD3-Related Loeys-Dietz Syndrome; Loeys-Dietz syndrome, type 1C; ANEURYSMS-OSTEOARTHRITIS SYNDROME; LOEYS-DIETZ SYNDROME WITH OSTEOARTHRITIS. Identifiers: Orphanet 284984, MedGen C3151087, MONDO:0013426, OMIM 613795.
Familial thoracic aortic aneurysm and aortic dissection (TAAD). Also called: Thoracic aortic aneurysms and dissections. Identifiers: Orphanet 91387, MedGen C4707243, MONDO:0019625.

Allele frequency attached by ClinVar (database versions not stated): TOPMed 0.00002; gnomAD 0.00001; gnomAD exomes below 0.00001.
gnomAD v4.1: 2 of 1,613,928 alleles (0.00012%); highest among the groups gnomAD compares: Non-Finnish European, 0.00017%; no homozygotes.

Submissions (3):

Ambry Genetics
Classification: Likely benign for Familial thoracic aortic aneurysm and aortic dissection. Last evaluated: 2026-04-18. Review status: criteria provided, single submitter. Criteria: Ambry Variant Classification Scheme 2023. Collection method: clinical testing. Allele origin: germline.

All of Us Research Program, National Institutes of Health
Classification: Likely benign for Aneurysm-osteoarthritis syndrome. Last evaluated: 2023-06-26. Review status: criteria provided, single submitter. Criteria: ACMG Guidelines, 2015. Collection method: clinical testing. Allele origin: germline. Inheritance: Autosomal dominant inheritance. Observed: 1 variant allele, 1 heterozygote.
Comment: This study involves interpretation of variants in research participants for the purpose of population health screening. Participant phenotype was not available at the time of variant classification. Additional details can be found in publication PMID: 35346344, PMCID: PMC8962531

Color Diagnostics, LLC DBA Color Health
Classification: Likely benign for Familial thoracic aortic aneurysm and aortic dissection. Last evaluated: 2019-10-01. Review status: criteria provided, single submitter. Criteria: ACMG Guidelines, 2015. Collection method: clinical testing. Allele origin: germline.